The following continues an entry in ClinVar:

NM_000256.3(MYBPC3):c.3697C>T (p.Gln1233Ter)

Gene: MYBPC3. ClinVar aggregate classification (germline): Pathogenic/Likely pathogenic. Pathogenic (29); Likely pathogenic (1).

Submissions 12 to 28 of 33:

All of Us Research Program, National Institutes of Health
Classification: Pathogenic for Hypertrophic cardiomyopathy. Last evaluated: 2024-06-27. Review status: criteria provided, single submitter. Criteria: ACMG Guidelines, 2015. Collection method: clinical testing. Allele origin: germline. Inheritance: Autosomal dominant inheritance. Observed: 2 variant alleles, 2 heterozygotes.
Comment: This variant changes 1 nucleotide in exon 33 of the MYBPC3 gene, creating a premature translation stop signal. This variant is expected to result in an absent or non-functional protein product. This variant has been reported in more than 25 individuals affected with hypertrophic cardiomyopathy (PMID: 11499719, 18957093, 21985754, 24510615, 25031304, 25351510, 27600940, 27532257, 28615295, 33495596, 33495597, 33673806, 34542152, 34598319, 35176171, 38002985, 38540378). This variant has been identified in 2/249238 chromosomes in the general population by the Genome Aggregation Database (gnomAD). Loss of MYBPC3 function is a known mechanism of disease. Based on the available evidence, this variant is classified as Pathogenic.

This study involves interpretation of variants in research participants for the purpose of population health screening. Participant phenotype was not available at the time of variant classification. Additional details can be found in publication PMID: 35346344, PMCID: PMC8962531

Molecular Diagnostic Laboratory for Inherited Cardiovascular Disease, Montreal Heart Institute
Classification: Pathogenic for Cardiovascular phenotype. Last evaluated: 2024-06-05. Review status: criteria provided, single submitter. Criteria: ACMG Guidelines, 2015. Collection method: clinical testing. Allele origin: germline. Affected: yes.
Comment: PVS1, PS4, PP1_strong, PM2, PP5

CeGaT Center for Human Genetics Tuebingen
Classification: Pathogenic. Last evaluated: 2024-06-01. Review status: criteria provided, single submitter. Criteria: CeGaT Center For Human Genetics Tuebingen Variant Classification Criteria Version 2. Collection method: clinical testing. Allele origin: germline. Affected: yes. Observed: 3 variant alleles.
Comment: MYBPC3: PVS1, PP1:Strong, PS4:Moderate, PM2:Supporting, PP4

Color Diagnostics, LLC DBA Color Health
Classification: Pathogenic for Cardiomyopathy. Last evaluated: 2024-04-22. Review status: criteria provided, single submitter. Criteria: ACMG Guidelines, 2015. Collection method: clinical testing. Allele origin: germline.
Comment: This variant changes 1 nucleotide in exon 33 of the MYBPC3 gene, creating a premature translation stop signal. This variant is expected to result in an absent or non-functional protein product. This variant has been reported in more than 25 individuals affected with hypertrophic cardiomyopathy (PMID: 11499719, 18957093, 21985754, 24510615, 25031304, 25351510, 27600940, 27532257, 28615295, 33495596, 33495597, 33673806, 34542152, 34598319, 35176171, 38002985, 38540378). This variant has been identified in 2/249238 chromosomes in the general population by the Genome Aggregation Database (gnomAD). Loss of MYBPC3 function is a known mechanism of disease. Based on the available evidence, this variant is classified as Pathogenic.

Institute of Human Genetics Munich, TUM University Hospital
Classification: Pathogenic for Hypertrophic cardiomyopathy 4. Last evaluated: 2024-02-26. Review status: criteria provided, single submitter. Criteria: Classification criteria August 2017. Collection method: clinical testing. Allele origin: germline. Inheritance: Autosomal dominant inheritance. Affected: yes. Observed: 1 variant allele.

KardioGenetik, Herz- und Diabeteszentrum NRW
Classification: Pathogenic for Dilated cardiomyopathy 1I. Last evaluated: 2023-09-26. Review status: criteria provided, single submitter. Criteria: ACMG Guidelines, 2015. Collection method: clinical testing. Allele origin: unknown. Affected: yes. Observed: 1 variant allele.

CHEO Genetics Diagnostic Laboratory, Children's Hospital of Eastern Ontario
Classification: Pathogenic for Cardiomyopathy. Last evaluated: 2023-04-19. Review status: criteria provided, single submitter. Criteria: ACMG Guidelines, 2015. Collection method: clinical testing. Allele origin: germline.

Human Genetics Bochum, Ruhr University Bochum
Classification: Pathogenic for Hypertrophic cardiomyopathy. Last evaluated: 2022-03-31. Review status: criteria provided, single submitter. Criteria: ACMG Guidelines, 2015. Collection method: clinical testing. Allele origin: germline. Affected: yes.
Comment: ACMG criteria used to clasify this variant: PVS1_STR, PS4, PM2_SUP, PP1, PP3

Mayo Clinic Laboratories, Mayo Clinic
Classification: Pathogenic. Last evaluated: 2021-11-17. Review status: criteria provided, single submitter. Criteria: ACMG Guidelines, 2015. Collection method: clinical testing. Allele origin: germline.
Comment: PP1, PM2, PS4, PVS1

Ambry Genetics
Classification: Pathogenic for Cardiovascular phenotype. Last evaluated: 2021-09-09. Review status: criteria provided, single submitter. Criteria: Ambry General Variant Classification Scheme_2022. Collection method: clinical testing. Allele origin: germline. Observed: 1 variant allele.
Comment: The p.Q1233* pathogenic mutation (also known as c.3697C>T), located in coding exon 33 of the MYBPC3 gene, results from a C to T substitution at nucleotide position 3697. This changes the amino acid from a glutamine to a stop codon within coding exon 33. This alteration has been reported in multiple unrelated individuals with hypertrophic cardiomyopathy (HCM) and has been reported to segregate with disease in families (Erdmann J et al. J Am Coll Cardiol. 2001;38:322-30; Ingles J et al. J Med Genet. 2005;42:e59; Zeller R et al. J Mol Med. 2006;84:682-91; Ehlermann P et al. BMC Med Genet. 2008;9:95; Fokstuen S et al. Hum Mutat. 2008;29:879-85; T&oacute;th T et al. Int J Cardiol. 2011;153:216-9; Marschall C et al. Cardiovasc Diagn Ther, 2019 Oct;9:S292-S298; Hathaway J et al. BMC Cardiovasc Disord, 2021 03;21:126). This variant is considered to be rare based on population cohorts in the Genome Aggregation Database (gnomAD). In addition to the clinical data presented in the literature, this alteration is expected to result in loss of function by premature protein truncation or nonsense-mediated mRNA decay. As such, this alteration is interpreted as a disease-causing mutation.

Fulgent Genetics
Classification: Pathogenic for Hypertrophic cardiomyopathy 4; Left ventricular noncompaction 10. Last evaluated: 2021-08-06. Review status: criteria provided, single submitter. Criteria: ACMG Guidelines, 2015. Collection method: clinical testing. Allele origin: unknown.

National Institute of Allergy and Infectious Diseases - Centralized Sequencing Program, National Institutes of Health
Classification: Pathogenic for Hypertrophic cardiomyopathy. Last evaluated: 2021-08-06. Review status: criteria provided, single submitter. Criteria: ACMG Guidelines, 2015. Collection method: clinical testing. Allele origin: germline. Affected: yes.

Petrovsky National Research Centre of Surgery, The Federal Agency for Scientific Organizations
Classification: Pathogenic. Last evaluated: 2020-12-10. Review status: criteria provided, single submitter. Criteria: ACMG Guidelines, 2015. Collection method: clinical testing. Allele origin: unknown. Inheritance: Autosomal dominant inheritance. Affected: yes. Observed: 4 heterozygotes. Clinical features observed: Left ventricular noncompaction cardiomyopathy (HP:0011664), Hypertrophic cardiomyopathy (HP:0001639), Supraventricular arrhythmia (HP:0005115), Atrial fibrillation (HP:0005110), Abnormal mitral valve physiology (HP:0031481), Premature ventricular contraction (HP:0006682), Cardiac arrhythmia (HP:0011675), Ventricular tachycardia (HP:0004756), Ventricular fibrillation (HP:0001663), Arrhythmogenic Right Ventricular Dysplasia.
Comment: We observed the genetic variant c.3697C>T (p.Q1233*) in MYBPC3 gene in several probands, diagnosed with various cardiomyopathies. The c.3697C>T variant was previously described as pathogenic (PP5 criteria). IT leads to premature stop-codon at 1233 amino acid position in MYBPC3 gene. Nonsense mutations are a well-known cause of MYBPC3-related cardiomyopathies, therefore, PVS1 criteria is applicable for c.3697C>T variant. The c.3697C>T variant has low frequency in large population studies (PM2 criteria). Several online in silico tools predict the c.3697C>T variant to be deleterious (PP3 criteria). Based on these criteria, we consider the c.3697C>T (p.Q1233*) variant to be pathogenic.

Clinical Genetics Laboratory, Region Ostergotland
Classification: Pathogenic for Hypertrophic cardiomyopathy 4. Last evaluated: 2020-03-24. Review status: criteria provided, single submitter. Criteria: ACMG Guidelines, 2015. Collection method: clinical testing. Allele origin: germline. Affected: yes.
Comment: PVS1, PS4, PP5, PP1

GeneDx
Classification: Pathogenic. Last evaluated: 2019-11-14. Review status: criteria provided, single submitter. Criteria: GeneDx Variant Classification Process June 2021. Collection method: clinical testing. Allele origin: germline. Affected: yes.
Comment: Nonsense variant predicted to result in protein truncation or nonsense mediated decay in a gene for which loss-of-function is a known mechanism of disease; Reported in ClinVar (ClinVar Variant ID# 42735; ClinVar); Not observed at a significant frequency in large population cohorts (gnomAD); This variant is associated with the following publications: (PMID: 22515980, 27688314, 12974739, 31513939, 18761664, 21415409, 25163546, 25351510, 17655857, 25525159, 25031304, 18409188, 11499719, 16199542, 18403758, 15519027, 18957093, 21302287, 18505755, 16715312, 21985754, 27662471, 27532257, 28615295, 28408708, 28790153, 24510615, 27600940, 30025578, 29121657, 30550750, 31737537, 30847666, 33673806)

Laboratory for Molecular Medicine, Mass General Brigham Personalized Medicine
Classification: Pathogenic for Hypertrophic cardiomyopathy. Last evaluated: 2019-04-05. Review status: criteria provided, single submitter. Criteria: ACMG Guidelines, 2015. Collection method: clinical testing. Allele origin: germline.
Comment: The p.Gln1233X variant has been reported in >10 families with HCM and segregated with disease in >10 affected relatives (Erdmann 2001, Ingles 2005, Zeller 2006, Ehlermann 2008, LMM data). This variant has been reported in ClinVar: P (GeneDx, Invitae, Blueprint, Integrated, Ambry, Johns Hopkins), LP (Geneva).This variant has also been identified in 1/66626 European chromosomes by the Exome Aggregation Consortium (ExAC; dbSNP rs397516037). This nonsense variant leads to a premature termination codon at position 1233, which is predicted to lead to a truncated or absent protein. Nonsense and other MYBPC3 variants resulting in a heterozygous loss of function are strongly associated with HCM. In summary, this variant meets criteria to be classified as pathogenic for HCM in an autosomal dominant manner.

Center for Human Genetics, University of Leuven
Classification: Pathogenic for Hypertrophic cardiomyopathy. Last evaluated: 2018-10-31. Review status: criteria provided, single submitter. Criteria: ACMG Guidelines, 2015. Collection method: clinical testing. Allele origin: germline. Affected: yes.